The following is an entry in ClinVar:

NM_000038.6(APC):c.4182T>C (p.Asp1394=)

Gene: APC (APC regulator of Wnt signaling pathway; plus strand). Cytogenetic location: 5q22.2.
Variant type: single nucleotide variant.
Coding change: c.4182T>C on transcript NM_000038.6 (MANE Select); coding-DNA position 4182, T replaced by C.
Protein change: p.Asp1394=; no amino-acid change (aspartic acid 1394 retained).
Molecular consequence: synonymous variant.
Genome position (GRCh38, 1-based): chr5:112,839,776, T>C. VCF-style: chr5-112839776-T-C. GRCh37 (hg19) VCF-style: chr5-112175473-T-C.
Other names: c.4182T>C (NM_000038.5); c.4182T>C, p.Asp1394= (NM_001127510.3, NM_001354895.2); c.4128T>C, p.Asp1376= (NM_001127511.3); c.4236T>C, p.Asp1412= (NM_001354896.2); c.4212T>C, p.Asp1404= (NM_001354897.2); c.4107T>C, p.Asp1369= (NM_001354898.2); c.4098T>C, p.Asp1366= (NM_001354899.2); c.4059T>C, p.Asp1353= (NM_001354900.2); and 6 more.
Identifiers: ClinVar variation 1538403 (VCV001538403.10), dbSNP rs1765622006, ClinGen allele CA445964185.

ClinVar aggregate classification (germline): Benign/Likely benign. Review status: criteria provided, multiple submitters, no conflicts (2 of 4 stars). 3 submissions from 3 submitters: Benign (1); Likely benign (2). Last evaluated 2025-09-08.

Conditions:
Hereditary cancer-predisposing syndrome. Also called: Hereditary Cancer Syndrome; Tumor predisposition; Neoplastic Syndromes, Hereditary; Hereditary neoplastic syndrome. Identifiers: Orphanet 140162, MedGen C0027672, MeSH D009386, MONDO:0015356.
Familial adenomatous polyposis 1 (FAP1). Also called: FAMILIAL ADENOMATOUS POLYPOSIS 1, ATTENUATED; POLYPOSIS, ADENOMATOUS INTESTINAL. Identifiers: MedGen C2713442, MONDO:0021056, OMIM 175100. Disease mechanism: loss of function.

Submissions (3):

Labcorp Genetics (formerly Invitae), Labcorp
Classification: Likely benign for Familial adenomatous polyposis 1. Last evaluated: 2025-09-08. Review status: criteria provided, single submitter. Criteria: Invitae Variant Classification Sherloc (09022015). Collection method: clinical testing. Allele origin: germline.

Ambry Genetics
Classification: Likely benign for Hereditary cancer-predisposing syndrome. Last evaluated: 2025-05-10. Review status: criteria provided, single submitter. Criteria: Ambry Variant Classification Scheme 2023. Collection method: clinical testing. Allele origin: germline.

Myriad Genetics, Inc.
Classification: Benign for Familial adenomatous polyposis 1. Last evaluated: 2024-03-26. Review status: criteria provided, single submitter. Criteria: Myriad Autosomal Dominant, Autosomal Recessive and X-Linked Classification Criteria (2023). Collection method: clinical testing. Allele origin: unknown.
Comment: This variant is considered benign. This variant is a silent/synonymous amino acid change and it is not expected to impact splicing.